The following is an entry in ClinVar:

ClinVar aggregate classification (germline): Uncertain significance. Review status: criteria provided, multiple submitters, no conflicts (2 of 4 stars). 2 submissions from 2 submitters: Uncertain significance (2). Last evaluated 2025-02-09.

Submissions (2):

Labcorp Genetics (formerly Invitae), Labcorp
Classification: Uncertain significance. Last evaluated: 2025-02-09. Review status: criteria provided, single submitter. Criteria: Invitae Variant Classification Sherloc (09022015). Collection method: clinical testing. Allele origin: germline.
Comment: This variant, c.925_927del, results in the deletion of 1 amino acid(s) of the LZTR1 protein (p.Asn309del), but otherwise preserves the integrity of the reading frame. This variant is not present in population databases (gnomAD no frequency). This variant has not been reported in the literature in individuals affected with LZTR1-related conditions. ClinVar contains an entry for this variant (Variation ID: 1408786). Experimental studies and prediction algorithms are not available or were not evaluated, and the functional significance of this variant is currently unknown. In summary, the available evidence is currently insufficient to determine the role of this variant in disease. Therefore, it has been classified as a Variant of Uncertain Significance.

GeneDx
Classification: Uncertain significance. Last evaluated: 2023-12-21. Review status: criteria provided, single submitter. Criteria: GeneDx Variant Classification Process June 2021. Collection method: clinical testing. Allele origin: germline. Affected: yes.
Comment: Not observed at significant frequency in large population cohorts (gnomAD); In-frame deletion of 1 amino acid in a non-repeat region; In silico analysis supports a deleterious effect on protein structure/function; Has not been previously published as pathogenic or benign to our knowledge

NM_006767.4(LZTR1):c.925_927del (p.Asn309del)

Gene: LZTR1 (leucine zipper like post translational regulator 1; plus strand). Cytogenetic location: 22q11.21.
Variant type: Deletion.
Coding change: c.925_927del on transcript NM_006767.4 (MANE Select); coding-DNA positions 925 to 927, 3 bases deleted (AAC; older notation c.925_927delAAC).
Protein change: p.Asn309del; deletes asparagine 309.
Molecular consequence: inframe deletion.
Genome position (GRCh38, 1-based): chr22:20,991,761-20,991,763, AAC deleted; deleting any 3 consecutive bases within chr22:20,991,760-20,991,763 gives the same sequence; the c. name uses the placement nearest the transcript's 3' end. VCF-style (leftmost placement, unchanged base first): chr22-20991759-CCAA-C. GRCh37 (hg19) VCF-style: chr22-21346048-CCAA-C.
Other names: c.925_927del (NM_006767.3); short protein forms N309del.
Identifiers: ClinVar variation 1408786 (VCV001408786.9), dbSNP rs2147965006, ClinGen allele CA2573157797.